The following is an entry in ClinVar:

ClinVar aggregate classification (germline): Uncertain significance (1 of 4 stars; one submission).

Conditions:
Short-rib thoracic dysplasia 13 with or without polydactyly (SRTD13). Identifiers: Orphanet 474, MedGen C4225378, MONDO:0014577, OMIM 616300.

Allele frequency attached by ClinVar (database versions not stated): gnomAD exomes 0.00001.
gnomAD v4.1: 5 of 1,614,148 alleles (0.00031%); highest among the groups gnomAD compares: South Asian, 0.0055%; no homozygotes.

Submission:

Labcorp Genetics (formerly Invitae), Labcorp
Classification: Uncertain significance for Short-rib thoracic dysplasia 13 with or without polydactyly. Last evaluated: 2018-11-30. Review status: criteria provided, single submitter. Criteria: Invitae Variant Classification Sherloc (09022015). Collection method: clinical testing. Allele origin: germline.
Comment: In summary, the available evidence is currently insufficient to determine the role of this variant in disease. Therefore, it has been classified as a Variant of Uncertain Significance. Algorithms developed to predict the effect of missense changes on protein structure and function are either unavailable or do not agree on the potential impact of this missense change (SIFT: "Tolerated"; PolyPhen-2: "Possibly Damaging"; Align-GVGD: "Class C0"). This variant has not been reported in the literature in individuals with CEP120-related conditions. This variant is not present in population databases (ExAC no frequency). This sequence change replaces lysine with glutamic acid at codon 268 of the CEP120 protein (p.Lys268Glu). The lysine residue is highly conserved and there is a small physicochemical difference between lysine and glutamic acid.

NM_001375405.1(CEP120):c.802A>G (p.Lys268Glu)

Gene: CEP120 (centrosomal protein 120; minus strand). Cytogenetic location: 5q23.2.
Variant type: single nucleotide variant.
Coding change: c.802A>G on transcript NM_001375405.1 (MANE Select); coding-DNA position 802, A replaced by G.
Protein change: p.Lys268Glu; replaces lysine 268 with glutamic acid.
Molecular consequence: missense variant. On other transcripts: non-coding transcript variant (1).
Genome position (GRCh38, 1-based): chr5:123,393,308, T>C on the plus strand (A>G on the coding strand, the complement: CEP120 is on the minus strand). VCF-style: chr5-123393308-T-C. GRCh37 (hg19) VCF-style: chr5-122729002-T-C.
Other names: c.724A>G, p.Lys242Glu (NM_001166226.2); c.802A>G, p.Lys268Glu (NM_001375406.1, NM_001375407.1, NM_153223.4); c.229A>G, p.Lys77Glu (NM_001375408.1, NM_001375409.1); short protein forms K268E, K242E, K77E.
Identifiers: ClinVar variation 662704 (VCV000662704.8), dbSNP rs1421931952, ClinGen allele CA360892499.